The following is an entry in ClinVar:

ClinVar aggregate classification (germline): Uncertain significance (1 of 4 stars; one submission).

Conditions:
Pseudo-Hurler polydystrophy. Also called: MUCOLIPIDOSIS IIIA; ML III; ML III ALPHA/BETA; Type III Mucolipidosis; ML IIIA; Mucolipidosis III Alpha/Beta. Identifiers: Orphanet 423461, Orphanet 577, MedGen C0033788, MONDO:0018931, OMIM 252600.
Mucolipidosis type II. Also called: Mucolipidosis II Alpha/Beta; ML II ALPHA/BETA; Mucolipidosis 2; ML 2; Inclusion cell disease; Leroy Disease. Identifiers: Orphanet 576, MedGen C2673377, MONDO:0009650, OMIM 252500.

Allele frequency attached by ClinVar (database versions not stated): TOPMed below 0.00001; ExAC 0.00001.
gnomAD v4.1: 7 of 1,614,106 alleles (0.00043%); highest among the groups gnomAD compares: Non-Finnish European, 0.00059%; no homozygotes.

Submission:

Labcorp Genetics (formerly Invitae), Labcorp
Classification: Uncertain significance for Pseudo-Hurler polydystrophy; Mucolipidosis type II. Last evaluated: 2022-07-03. Review status: criteria provided, single submitter. Criteria: Invitae Variant Classification Sherloc (09022015). Collection method: clinical testing. Allele origin: germline.
Comment: This sequence change replaces glycine, which is neutral and non-polar, with glutamic acid, which is acidic and polar, at codon 508 of the GNPTAB protein (p.Gly508Glu). This variant is present in population databases (rs772681175, gnomAD 0.002%). This variant has not been reported in the literature in individuals affected with GNPTAB-related conditions. Advanced modeling of protein sequence and biophysical properties (such as structural, functional, and spatial information, amino acid conservation, physicochemical variation, residue mobility, and thermodynamic stability) performed at Invitae indicates that this missense variant is expected to disrupt GNPTAB protein function. In summary, the available evidence is currently insufficient to determine the role of this variant in disease. Therefore, it has been classified as a Variant of Uncertain Significance.

NM_024312.5(GNPTAB):c.1523G>A (p.Gly508Glu)

Gene: GNPTAB (N-acetylglucosamine-1-phosphate transferase subunits alpha and beta; minus strand). Cytogenetic location: 12q23.2.
Variant type: single nucleotide variant.
Coding change: c.1523G>A on transcript NM_024312.5 (MANE Select); coding-DNA position 1523, G replaced by A.
Protein change: p.Gly508Glu; replaces glycine 508 with glutamic acid.
Molecular consequence: missense variant.
Genome position (GRCh38, 1-based): chr12:101,766,180, C>T on the plus strand (G>A on the coding strand, the complement: GNPTAB is on the minus strand). VCF-style: chr12-101766180-C-T. GRCh37 (hg19) VCF-style: chr12-102159958-C-T.
Other names: short protein forms G508E.
Identifiers: ClinVar variation 2054074 (VCV002054074.1), dbSNP rs772681175, ClinGen allele CA6746596.
Genomic context (GRCh38, chr12:101,766,180, plus strand): 5'-CAGGACAAGACATTGCATGCTTGGTCACAGAACTTATCAGCGAGCCAGGAATTCGCACAT[C>T]CCTGATTACAGTAAGAGACACTGTTTATTCCTCCACCAAACTGCCAGGGCTGTCCAACTC-3'
Protein context (NP_077288.2, residues 498-518): GINSVSYCNQ[Gly508Glu]CANSWLADKF